The following is an entry in ClinVar:

ClinVar aggregate classification (germline): Uncertain significance (1 of 4 stars; one submission).

Allele frequency attached by ClinVar (database versions not stated): TOPMed below 0.00001; gnomAD exomes 0.00003; gnomAD 0.00005; ExAC 0.00010; 1000 Genomes Project 30x 0.00016; 1000 Genomes Project 0.00020.
gnomAD v4.1: 50 of 1,611,132 alleles (0.0031%); highest among the groups gnomAD compares: South Asian, 0.053%; 1 homozygote.

Submission:

Labcorp Genetics (formerly Invitae), Labcorp
Classification: Uncertain significance. Last evaluated: 2024-09-22. Review status: criteria provided, single submitter. Criteria: Invitae Variant Classification Sherloc (09022015). Collection method: clinical testing. Allele origin: germline.
Comment: This sequence change replaces isoleucine, which is neutral and non-polar, with threonine, which is neutral and polar, at codon 3135 of the VPS13C protein (p.Ile3135Thr). This variant is present in population databases (rs573812678, gnomAD 0.05%). This variant has not been reported in the literature in individuals affected with VPS13C-related conditions. ClinVar contains an entry for this variant (Variation ID: 2421028). Invitae Evidence Modeling of protein sequence and biophysical properties (such as structural, functional, and spatial information, amino acid conservation, physicochemical variation, residue mobility, and thermodynamic stability) indicates that this missense variant is expected to disrupt VPS13C protein function with a positive predictive value of 80%. In summary, the available evidence is currently insufficient to determine the role of this variant in disease. Therefore, it has been classified as a Variant of Uncertain Significance.

NM_020821.3(VPS13C):c.9404T>C (p.Ile3135Thr)

Gene: VPS13C (vacuolar protein sorting 13 homolog C; minus strand). Cytogenetic location: 15q22.2.
Variant type: single nucleotide variant.
Coding change: c.9404T>C on transcript NM_020821.3 (MANE Select); coding-DNA position 9404, T replaced by C.
Protein change: p.Ile3135Thr; replaces isoleucine 3135 with threonine.
Molecular consequence: missense variant.
Genome position (GRCh38, 1-based): chr15:61,884,207, A>G on the plus strand (T>C on the coding strand, the complement: VPS13C is on the minus strand). VCF-style: chr15-61884207-A-G. GRCh37 (hg19) VCF-style: chr15-62176406-A-G.
Other names: c.9404T>C, p.Ile3135Thr (NM_001018088.3); c.9275T>C, p.Ile3092Thr (NM_017684.5, NM_018080.4); short protein forms I3092T, I3135T.
Identifiers: ClinVar variation 2421028 (VCV002421028.6), dbSNP rs573812678, ClinGen allele CA7594667.
Genomic context (GRCh38, chr15:61,884,207, plus strand): 5'-TTAATCCAGCCATGGTCTCTTGATATTTGATGTTTCTGATAGGATTGTTCCAATAAGATT[A>G]TCTGCTTTTGACTAAATGGCTTCCATTTCTGCTTTGGTTTCACCTCCCAAACAACACCAG-3'
Protein context (NP_065872.1, residues 3125-3145): QKWKPFSQKQ[Ile3135Thr]ILLEQSYQKH